The following is an entry in ClinVar:

ClinVar aggregate classification (germline): Uncertain significance (1 of 4 stars; one submission).

gnomAD v4.1: 5 of 1,613,596 alleles (0.00031%); highest among the groups gnomAD compares: South Asian, 0.0055%; no homozygotes.

Submission:

Labcorp Genetics (formerly Invitae), Labcorp
Classification: Uncertain significance. Last evaluated: 2024-07-30. Review status: criteria provided, single submitter. Criteria: Invitae Variant Classification Sherloc (09022015). Collection method: clinical testing. Allele origin: germline.
Comment: This sequence change replaces proline, which is neutral and non-polar, with histidine, which is basic and polar, at codon 39 of the POLG2 protein (p.Pro39His). This variant is present in population databases (rs782128051, gnomAD 0.006%). This variant has not been reported in the literature in individuals affected with POLG2-related conditions. An algorithm developed to predict the effect of missense changes on protein structure and function (PolyPhen-2) suggests that this variant is likely to be tolerated. In summary, the available evidence is currently insufficient to determine the role of this variant in disease. Therefore, it has been classified as a Variant of Uncertain Significance.

NM_007215.4(POLG2):c.116C>A (p.Pro39His)

Genes: MILR1 (mast cell immunoglobulin like receptor 1; plus strand), POLG2 (DNA polymerase gamma 2, accessory subunit; minus strand). Cytogenetic location: 17q23.3.
Variant type: single nucleotide variant.
Coding change: c.116C>A on transcript NM_007215.4 (MANE Select); coding-DNA position 116, C replaced by A.
Protein change: p.Pro39His; replaces proline 39 with histidine.
Molecular consequence: missense variant.
Genome position (GRCh38, 1-based): chr17:64,496,853, G>T on the plus strand (C>A on the coding strand, the complement: POLG2 is on the minus strand). VCF-style: chr17-64496853-G-T. GRCh37 (hg19) VCF-style: chr17-62492971-G-T.
Other names: short protein forms P39H.
Identifiers: ClinVar variation 3673497 (VCV003673497.2).